The following is an entry in ClinVar:

ClinVar aggregate classification (germline): Uncertain significance (1 of 4 stars; one submission).

Conditions:
Fanconi anemia complementation group O. Also called: RAD51C-Related Fanconi Anemia. Identifiers: Orphanet 84, MedGen C3150653, MONDO:0013248, OMIM 613390.

Submission:

Labcorp Genetics (formerly Invitae), Labcorp
Classification: Uncertain significance for Fanconi anemia complementation group O. Last evaluated: 2017-11-16. Review status: criteria provided, single submitter. Criteria: Invitae Variant Classification Sherloc (09022015). Collection method: clinical testing. Allele origin: germline.
Comment: In summary, the available evidence is currently insufficient to determine the role of this variant in disease. Therefore, it has been classified as a Variant of Uncertain Significance. This variant is not present in population databases (ExAC no frequency). This variant has not been reported in the literature in individuals with RAD51C-related disease. Algorithms developed to predict the effect of missense changes on protein structure and function (SIFT, PolyPhen-2, Align-GVGD) all suggest that this variant is likely to be disruptive, but these predictions have not been confirmed by published functional studies and their clinical significance is uncertain. This sequence change replaces leucine with arginine at codon 297 of the RAD51C protein (p.Leu297Arg). The leucine residue is highly conserved and there is a moderate physicochemical difference between leucine and arginine.

NM_058216.3(RAD51C):c.890T>G (p.Leu297Arg)

Gene: RAD51C (RAD51 paralog C; plus strand). Cytogenetic location: 17q22.
Variant type: single nucleotide variant.
Coding change: c.890T>G on transcript NM_058216.3 (MANE Select); coding-DNA position 890, T replaced by G.
Protein change: p.Leu297Arg; replaces leucine 297 with arginine.
Molecular consequence: missense variant. On other transcripts: non-coding transcript variant (1).
Genome position (GRCh38, 1-based): chr17:58,720,798, T>G. VCF-style: chr17-58720798-T-G. GRCh37 (hg19) VCF-style: chr17-56798159-T-G.
Other names: short protein forms L297R.
Identifiers: ClinVar variation 538771 (VCV000538771.8), dbSNP rs143026267, ClinGen allele CA400359750.